The following is an entry in ClinVar:

NM_004329.3(BMPR1A):c.501G>A (p.Met167Ile)

Gene: BMPR1A (bone morphogenetic protein receptor type 1A; plus strand). Cytogenetic location: 10q23.2.
Variant type: single nucleotide variant.
Coding change: c.501G>A on transcript NM_004329.3 (MANE Select); coding-DNA position 501, G replaced by A.
Protein change: p.Met167Ile; replaces methionine 167 with isoleucine.
Molecular consequence: missense variant. On other transcripts: non-coding transcript variant (3), intron variant (1).
Genome position (GRCh38, 1-based): chr10:86,900,097, G>A. VCF-style: chr10-86900097-G-A. GRCh37 (hg19) VCF-style: chr10-88659854-G-A.
Other names: c.501G>A, p.Met167Ile (NM_001406563.1, NM_001406564.1, NM_001406565.1 and 22 more transcripts); c.417G>A, p.Met139Ile (NM_001406584.1, NM_001406585.1, NM_001406586.1 and 2 more transcripts); c.333+7868G>A (NM_001406589.1); short protein forms M139I, M167I.
Identifiers: ClinVar variation 4867541 (VCV004867541.1).

ClinVar aggregate classification (germline): Uncertain significance (1 of 4 stars; one submission).

Conditions:
Hereditary cancer-predisposing syndrome. Also called: Neoplastic Syndromes, Hereditary; Tumor predisposition; Hereditary Cancer Syndrome; Hereditary neoplastic syndrome. Identifiers: Orphanet 140162, MedGen C0027672, MeSH D009386, MONDO:0015356.

Submission:

Ambry Genetics
Classification: Uncertain significance for Hereditary cancer-predisposing syndrome. Last evaluated: 2026-03-31. Review status: criteria provided, single submitter. Criteria: Ambry Variant Classification Scheme 2023. Collection method: clinical testing. Allele origin: germline.
Comment: The p.M167I variant (also known as c.501G>A), located in coding exon 5 of the BMPR1A gene, results from a G to A substitution at nucleotide position 501. The methionine at codon 167 is replaced by isoleucine, an amino acid with highly similar properties. This amino acid position is well conserved in available vertebrate species. In addition, this alteration is predicted to be tolerated by in silico analysis. Based on the available evidence, the clinical significance of this variant remains unclear.